The following is an entry in ClinVar:

NM_133638.6(ADAMTS19):c.2425+1G>A

Gene: ADAMTS19 (ADAM metallopeptidase with thrombospondin type 1 motif 19; plus strand). Cytogenetic location: 5q23.3.
Variant type: single nucleotide variant.
Coding change: c.2425+1G>A on transcript NM_133638.6 (MANE Select); the canonical splice donor site of the intron after coding-DNA position 2425, G replaced by A.
Molecular consequence: splice donor variant.
Genome position (GRCh38, 1-based): chr5:129,658,738, G>A. VCF-style: chr5-129658738-G-A. GRCh37 (hg19) VCF-style: chr5-128994431-G-A.
Identifiers: ClinVar variation 4845660 (VCV004845660.1).

ClinVar aggregate classification (germline): Pathogenic (1 of 4 stars; one submission).

Conditions:
Cardiac valvular dysplasia 2 (CVDP2). Identifiers: MedGen C5774226, MONDO:0859572, OMIM 620067.

Submission:

First Genomix Gene Laboratory, Genetic Diagnostics Department
Classification: Pathogenic for Cardiac valvular dysplasia 2. Last evaluated: 2025-01-10. Review status: criteria provided, single submitter. Criteria: ACMG Guidelines, 2015. Collection method: clinical testing. Allele origin: germline. Inheritance: Autosomal recessive inheritance. Affected: no. Observed: 1 variant allele.